The following is an entry in ClinVar:

NM_004497.3(FOXA3):c.711T>C (p.Ala237=)

Gene: FOXA3 (forkhead box A3; plus strand). Cytogenetic location: 19q13.32.
Variant type: single nucleotide variant.
Coding change: c.711T>C on transcript NM_004497.3 (MANE Select); coding-DNA position 711, T replaced by C.
Protein change: p.Ala237=; no amino-acid change (alanine 237 retained).
Molecular consequence: synonymous variant.
Genome position (GRCh38, 1-based): chr19:45,872,716, T>C. VCF-style: chr19-45872716-T-C. GRCh37 (hg19) VCF-style: chr19-46375974-T-C.
Identifiers: ClinVar variation 3057032 (VCV003057032.2), dbSNP rs200743469, ClinGen allele CA9524568.
Genomic context (GRCh38, chr19:45,872,716, plus strand): 5'-GAAGGTGAAAAAAGGGGGCAGCGGGGCTGCCACCACCACCAGGAACGGGACAGGGTCTGC[T>C]GCCTCGACCACCACCCCCGCGGCCACAGTCACCTCCCCGCCCCAGCCCCCGCCTCCAGCC-3'
Protein context (NP_004488.2, residues 227-247): ATTTRNGTGS[Ala237=]ASTTTPAATV

ClinVar aggregate classification (germline): Likely benign (0 of 4 stars; one submission).

Conditions:
FOXA3-related disorder. Also called: FOXA3-related condition.

Allele frequency attached by ClinVar (database versions not stated): gnomAD exomes 0.00015; ExAC 0.00062; 1000 Genomes Project 30x 0.00078; 1000 Genomes Project 0.00080; ESP Exome Variant Server 0.00165; gnomAD 0.00176; TOPMed 0.00181.
gnomAD v4.1: 491 of 1,605,202 alleles (0.031%); highest among the groups gnomAD compares: African/African-American, 0.57%; 1 homozygote.

Submission:

PreventionGenetics, part of Exact Sciences
Classification: Likely benign for FOXA3-related condition. Last evaluated: 2019-07-30. Review status: no assertion criteria provided. Collection method: clinical testing. Allele origin: germline.
Comment: This variant is classified as likely benign based on ACMG/AMP sequence variant interpretation guidelines (Richards et al. 2015 PMID: 25741868, with internal and published modifications).